The following is an entry in ClinVar:

ClinVar aggregate classification (germline): Pathogenic (1 of 4 stars; one submission).

Submission:

Labcorp Genetics (formerly Invitae), Labcorp
Classification: Pathogenic. Last evaluated: 2021-03-09. Review status: criteria provided, single submitter. Criteria: Invitae Variant Classification Sherloc (09022015). Collection method: clinical testing. Allele origin: germline.
Comment: This variant has not been reported in the literature in individuals with COL7A1-related conditions. For these reasons, this variant has been classified as Pathogenic. This variant disrupts the triple helix domain of COL7A1. Glycine residues within the Gly-Xaa-Yaa repeats of the triple helix domain are required for the structure and stability of fibrillar collagens (PMID: 7695699, 8218237, 19344236), and variants at these glycine residues in COL7A1 are more frequently observed in individuals with disease than in the general population (PMID: 22058051). However, the clinical significance of this observation remains uncertain since only a limited number of affected individuals have been described to date. This variant is a gross deletion of the genomic region encompassing exon(s) 56-117 of the COL7A1 gene. While this deletion is not anticipated to result in nonsense mediated decay, it is expected to create a truncated protein product.

Literature cited by the submitters: PubMed 7695699; PubMed 8218237; PubMed 19344236; PubMed 22058051.

NC_000003.11:g.(?_48602206)_(48617500_?)del

Gene: COL7A1 (collagen type VII alpha 1 chain; minus strand). Cytogenetic location: 3p21.31.
Variant type: Deletion.
Identifiers: ClinVar variation 1076746 (VCV001076746.7).